The following is an entry in ClinVar:

ClinVar aggregate classification (germline): Uncertain significance (1 of 4 stars; one submission).

Conditions:
Inflammatory skin and bowel disease, neonatal, 1. Identifiers: Orphanet 294023, MedGen C3280501, MONDO:0013693, OMIM 614328.

Allele frequency attached by ClinVar (database versions not stated): gnomAD exomes below 0.00001; TOPMed 0.00002.
gnomAD v4.1: 1 of 1,601,404 alleles (0.000062%); highest among the groups gnomAD compares: African/African-American, 0.0013%; no homozygotes.

Submission:

Labcorp Genetics (formerly Invitae), Labcorp
Classification: Uncertain significance for Inflammatory skin and bowel disease, neonatal, 1. Last evaluated: 2022-07-05. Review status: criteria provided, single submitter. Criteria: Invitae Variant Classification Sherloc (09022015). Collection method: clinical testing. Allele origin: germline.
Comment: This sequence change replaces proline, which is neutral and non-polar, with leucine, which is neutral and non-polar, at codon 13 of the ADAM17 protein (p.Pro13Leu). This variant is not present in population databases (gnomAD no frequency). This variant has not been reported in the literature in individuals affected with ADAM17-related conditions. ClinVar contains an entry for this variant (Variation ID: 1018128). Algorithms developed to predict the effect of missense changes on protein structure and function are either unavailable or do not agree on the potential impact of this missense change (SIFT: "Not Available"; PolyPhen-2: "Benign"; Align-GVGD: "Not Available"). In summary, the available evidence is currently insufficient to determine the role of this variant in disease. Therefore, it has been classified as a Variant of Uncertain Significance.

NM_003183.6(ADAM17):c.38C>T (p.Pro13Leu)

Gene: ADAM17 (ADAM metallopeptidase domain 17; minus strand). Cytogenetic location: 2p25.1.
Variant type: single nucleotide variant.
Coding change: c.38C>T on transcript NM_003183.6 (MANE Select); coding-DNA position 38, C replaced by T.
Protein change: p.Pro13Leu; replaces proline 13 with leucine.
Molecular consequence: missense variant. On other transcripts: 5 prime UTR variant (2).
Genome position (GRCh38, 1-based): chr2:9,555,568, G>A on the plus strand (C>T on the coding strand, the complement: ADAM17 is on the minus strand). VCF-style: chr2-9555568-G-A. GRCh37 (hg19) VCF-style: chr2-9695697-G-A.
Other names: c.-643C>T (NM_001382777.1); c.-885C>T (NM_001382778.1); short protein forms P13L.
Identifiers: ClinVar variation 1018128 (VCV001018128.4), dbSNP rs1340974006, ClinGen allele CA345790046.